The following is an entry in ClinVar:

NM_001110556.2(FLNA):c.1008C>T (p.Asn336=)

Gene: FLNA (filamin A; minus strand). Cytogenetic location: Xq28.
Variant type: single nucleotide variant.
Coding change: c.1008C>T on transcript NM_001110556.2 (MANE Select); coding-DNA position 1008, C replaced by T.
Protein change: p.Asn336=; no amino-acid change (asparagine 336 retained).
Molecular consequence: synonymous variant.
Genome position (GRCh38, 1-based): chrX:154,366,619, G>A on the plus strand (C>T on the coding strand, the complement: FLNA is on the minus strand). VCF-style: chrX-154366619-G-A. GRCh37 (hg19) VCF-style: chrX-153594987-G-A.
Other names: c.1008C>T, p.Asn336= (NM_001456.4).
Identifiers: ClinVar variation 700963 (VCV000700963.27), dbSNP rs781823583, ClinGen allele CA10561299.
Genomic context (GRCh38, chrX:154,366,619, plus strand): 5'-CACCTTATGAGTCCCCGTCACCTCGGGGACGTACCAGACGGAGAAGGTGCGGTTCTTGTC[G>A]TTATTGGCGGTCACTTTTGCCTGCAGTGGGAAGGAGCCTGTGAGCCTTTGCTAAGAGCAG-3'
Protein context (NP_001104026.1, residues 326-346): HQEEAKVTAN[Asn336=]DKNRTFSVWY

ClinVar aggregate classification (germline): Likely benign. Review status: criteria provided, multiple submitters, no conflicts (2 of 4 stars). 3 submissions from 3 submitters: Likely benign (3). Last evaluated 2025-03-13.

Conditions:
Familial thoracic aortic aneurysm and aortic dissection (TAAD). Also called: Thoracic aortic aneurysms and dissections. Identifiers: Orphanet 91387, MedGen C4707243, MONDO:0019625.
Heterotopia, periventricular, X-linked dominant (PVNH1). Also called: X-linked periventricular heterotopia; PERIVENTRICULAR NODULAR HETEROTOPIA 1; PERIVENTRICULAR NODULAR HETEROTOPIA 4; HETEROTOPIA, PERIVENTRICULAR, 1. Identifiers: Orphanet 2149, Orphanet 82004, MedGen C1848213, MONDO:0010233, OMIM 300049.
Melnick-Needles syndrome (MNS). Also called: Melnick-Needles Syndrome (FLNA-MNS); MELNICK-NEEDLES OSTEODYSPLASTY; OSTEODYSPLASTY OF MELNICK AND NEEDLES. Identifiers: Orphanet 2484, MedGen C0025237, MONDO:0010650, OMIM 309350.
Frontometaphyseal dysplasia (FMD1). Identifiers: Orphanet 1826, MedGen C0265293, MONDO:0015942.
Oto-palato-digital syndrome, type II (OPD2). Also called: Otopalatodigital Syndrome, Type II; Otopalatodigital Syndrome Type 2 (FLNA-OPD2); FACIOPALATOOSSEOUS SYNDROME; OPD II SYNDROME. Identifiers: Orphanet 669, Orphanet 90652, MedGen C1844696, MONDO:0010571, OMIM 304120.

Allele frequency attached by ClinVar (database versions not stated): gnomAD 0.00001; gnomAD exomes 0.00001 and 0.00002; TOPMed below 0.00001; ExAC 0.00001.
gnomAD v4.1: 19 of 1,210,514 alleles (0.0016%); highest among the groups gnomAD compares: Admixed American, 0.0065%; no homozygotes.

Submissions (3):

Labcorp Genetics (formerly Invitae), Labcorp
Classification: Likely benign for Oto-palato-digital syndrome, type II; Heterotopia, periventricular, X-linked dominant; Frontometaphyseal dysplasia; Melnick-Needles syndrome. Last evaluated: 2025-03-13. Review status: criteria provided, single submitter. Criteria: Invitae Variant Classification Sherloc (09022015). Collection method: clinical testing. Allele origin: germline.

CeGaT Center for Human Genetics Tuebingen
Classification: Likely benign. Last evaluated: 2024-07-01. Review status: criteria provided, single submitter. Criteria: CeGaT Center For Human Genetics Tuebingen Variant Classification Criteria Version 2. Collection method: clinical testing. Allele origin: germline. Affected: yes. Observed: 1 variant allele.
Comment: FLNA: BP4, BP7

Ambry Genetics
Classification: Likely benign for Familial thoracic aortic aneurysm and aortic dissection. Last evaluated: 2021-04-29. Review status: criteria provided, single submitter. Criteria: Ambry Variant Classification Scheme 2023. Collection method: clinical testing. Allele origin: germline.